The following is an entry in ClinVar:

NM_005960.2(MUC3A):c.1095T>C (p.Thr365=)

Gene: MUC3A (mucin 3A, cell surface associated; plus strand). Cytogenetic location: 7q22.1.
Variant type: single nucleotide variant.
Coding change: c.1095T>C on transcript NM_005960.2 (MANE Select); coding-DNA position 1095, T replaced by C.
Protein change: p.Thr365=; no amino-acid change (threonine 365 retained).
Molecular consequence: synonymous variant.
Genome position (GRCh38, 1-based): chr7:100,952,874, T>C. VCF-style: chr7-100952874-T-C. GRCh37 (hg19) VCF-style: chr7-100550514-T-C.
Identifiers: ClinVar variation 2657779 (VCV002657779.24), dbSNP rs78262970, ClinGen allele CA163299473.

ClinVar aggregate classification (germline): Likely benign (1 of 4 stars; one submission).

Submission:

CeGaT Center for Human Genetics Tuebingen
Classification: Likely benign. Last evaluated: 2023-08-01. Review status: criteria provided, single submitter. Criteria: CeGaT Center For Human Genetics Tuebingen Variant Classification Criteria Version 2. Collection method: clinical testing. Allele origin: germline. Affected: yes. Observed: 1 variant allele.
Comment: MUC3A: PM2:Supporting, BP4, BP7